The following is an entry in ClinVar:

NM_007347.5(AP4E1):c.2541T>C (p.Ser847=)

Gene: AP4E1 (adaptor related protein complex 4 subunit epsilon 1; plus strand). Cytogenetic location: 15q21.2.
Variant type: single nucleotide variant.
Coding change: c.2541T>C on transcript NM_007347.5 (MANE Select); coding-DNA position 2541, T replaced by C.
Protein change: p.Ser847=; no amino-acid change (serine 847 retained).
Molecular consequence: synonymous variant.
Genome position (GRCh38, 1-based): chr15:50,997,520, T>C. VCF-style: chr15-50997520-T-C. GRCh37 (hg19) VCF-style: chr15-51289717-T-C.
Other names: c.2316T>C, p.Ser772= (NM_001252127.2).
Identifiers: ClinVar variation 513829 (VCV000513829.8), dbSNP rs148654358, ClinGen allele CA7559345.

ClinVar aggregate classification (germline): Likely benign. Review status: criteria provided, multiple submitters, no conflicts (2 of 4 stars). 2 submissions from 2 submitters: Likely benign (2). Last evaluated 2024-03-02.

Conditions:
Spastic paraplegia. Identifiers: MedGen C0037772, HP:0001258.

Allele frequency attached by ClinVar (database versions not stated): gnomAD exomes 0.00001 and 0.00002; ExAC 0.00002; ESP Exome Variant Server 0.00008; gnomAD 0.00013 and 0.00014; TOPMed 0.00015.
gnomAD v4.1: 31 of 1,613,962 alleles (0.0019%); highest among the groups gnomAD compares: African/African-American, 0.039%; no homozygotes.

Submissions (2):

Labcorp Genetics (formerly Invitae), Labcorp
Classification: Likely benign for Spastic paraplegia. Last evaluated: 2024-03-02. Review status: criteria provided, single submitter. Criteria: Invitae Variant Classification Sherloc (09022015). Collection method: clinical testing. Allele origin: germline.

GeneDx
Classification: Likely benign. Last evaluated: 2017-12-11. Review status: criteria provided, single submitter. Criteria: GeneDx Variant Classification (06012015). Collection method: clinical testing. Allele origin: germline. Affected: yes.
Comment: This variant is considered likely benign or benign based on one or more of the following criteria: it is a conservative change, it occurs at a poorly conserved position in the protein, it is predicted to be benign by multiple in silico algorithms, and/or has population frequency not consistent with disease.